The following is an entry in ClinVar:

ClinVar aggregate classification (germline): Likely benign. Review status: criteria provided, multiple submitters, no conflicts (2 of 4 stars). 3 submissions from 3 submitters: Likely benign (2). 1 of the submissions does not count toward it. Last evaluated 2025-12-03.

Conditions:
KSR2-related disorder. Also called: KSR2-related condition.

Allele frequency attached by ClinVar (database versions not stated): 1000 Genomes Project 30x 0.00047; 1000 Genomes Project 0.00060; gnomAD 0.00114; ESP Exome Variant Server 0.00123.
gnomAD v4.1: 2,421 of 1,613,312 alleles (0.15%); highest among the groups gnomAD compares: Non-Finnish European, 0.19%; 3 homozygotes.

Submissions (3):

Labcorp Genetics (formerly Invitae), Labcorp
Classification: Likely benign. Last evaluated: 2025-12-03. Review status: criteria provided, single submitter. Criteria: Invitae Variant Classification Sherloc (09022015). Collection method: clinical testing. Allele origin: germline.

Blueprint Genetics
Classification: Likely benign. Last evaluated: 2024-11-20. Review status: criteria provided, single submitter. Criteria: ACMG Guidelines, 2015. Collection method: clinical testing. Allele origin: germline.

PreventionGenetics, part of Exact Sciences
Classification: Likely benign for KSR2-related condition. Last evaluated: 2022-02-18. Review status: no assertion criteria provided. Collection method: clinical testing. Allele origin: germline. Not counted in ClinVar's aggregate classification.
Comment: This variant is classified as likely benign based on ACMG/AMP sequence variant interpretation guidelines (Richards et al. 2015 PMID: 25741868, with internal and published modifications).

NM_173598.6(KSR2):c.524C>G (p.Thr175Arg)

Gene: KSR2 (kinase suppressor of ras 2; minus strand). Cytogenetic location: 12q24.23.
Variant type: single nucleotide variant.
Coding change: c.524C>G on transcript NM_173598.6 (MANE Select); coding-DNA position 524, C replaced by G.
Protein change: p.Thr175Arg; replaces threonine 175 with arginine.
Molecular consequence: missense variant.
Genome position (GRCh38, 1-based): chr12:117,761,473, G>C on the plus strand (C>G on the coding strand, the complement: KSR2 is on the minus strand). VCF-style: chr12-117761473-G-C. GRCh37 (hg19) VCF-style: chr12-118199278-G-C.
Other names: c.437C>G (NM_173598.4); short protein forms T175R.
Identifiers: ClinVar variation 1550162 (VCV001550162.11), dbSNP rs200451365, ClinGen allele CA6816315.